The following is an entry in ClinVar:

ClinVar aggregate classification (germline): Likely pathogenic (1 of 4 stars; one submission).

Conditions:
Carnitine palmitoyl transferase 1A deficiency. Also called: Carnitine palmitoyltransferase 1A deficiency; CPT I DEFICIENCY; CPT DEFICIENCY, HEPATIC, TYPE I; Carnitine palmitoyltransferase type I deficiency; CPT deficiency, hepatic, type IA. Identifiers: Orphanet 156, MedGen C1829703, MONDO:0009705, OMIM 255120.

Submission:

Labcorp Genetics (formerly Invitae), Labcorp
Classification: Likely pathogenic for Carnitine palmitoyl transferase 1A deficiency. Last evaluated: 2023-04-28. Review status: criteria provided, single submitter. Criteria: Invitae Variant Classification Sherloc (09022015). Collection method: clinical testing. Allele origin: germline.
Comment: Advanced modeling of protein sequence and biophysical properties (such as structural, functional, and spatial information, amino acid conservation, physicochemical variation, residue mobility, and thermodynamic stability) performed at Invitae indicates that this missense variant is expected to disrupt CPT1A protein function. This variant has not been reported in the literature in individuals affected with CPT1A-related conditions. This variant is not present in population databases (gnomAD no frequency). This sequence change replaces glycine, which is neutral and non-polar, with arginine, which is basic and polar, at codon 710 of the CPT1A protein (p.Gly710Arg). In summary, the currently available evidence indicates that the variant is pathogenic, but additional data are needed to prove that conclusively. Therefore, this variant has been classified as Likely Pathogenic. This variant disrupts the p.Gly710 amino acid residue in CPT1A. Other variant(s) that disrupt this residue have been determined to be pathogenic (PMID: 11350182). This suggests that this residue is clinically significant, and that variants that disrupt this residue are likely to be disease-causing.

Literature cited by the submitters: PubMed 11350182.

NM_001876.4(CPT1A):c.2128G>C (p.Gly710Arg)

Gene: CPT1A (carnitine palmitoyltransferase 1A; minus strand). Cytogenetic location: 11q13.3.
Variant type: single nucleotide variant.
Coding change: c.2128G>C on transcript NM_001876.4 (MANE Select); coding-DNA position 2128, G replaced by C.
Protein change: p.Gly710Arg; replaces glycine 710 with arginine.
Molecular consequence: missense variant.
Genome position (GRCh38, 1-based): chr11:68,760,239, C>G on the plus strand (G>C on the coding strand, the complement: CPT1A is on the minus strand). VCF-style: chr11-68760239-C-G. GRCh37 (hg19) VCF-style: chr11-68527707-C-G.
Other names: c.2128G>C, p.Gly710Arg (NM_001031847.3); short protein forms G710R.
Identifiers: ClinVar variation 2860095 (VCV002860095.3), dbSNP rs2495506005, ClinGen allele CA381625770.